The following is an entry in ClinVar:

ClinVar aggregate classification (germline): Benign. Review status: criteria provided, multiple submitters, no conflicts (2 of 4 stars). 4 submissions from 4 submitters: Benign (3). 1 of the submissions does not count toward it. Last evaluated 2026-02-01.

Conditions:
MYH7B-related disorder. Also called: MYH7B-related condition.

Allele frequency attached by ClinVar (database versions not stated): 1000 Genomes Project 0.00519; 1000 Genomes Project 30x 0.00531; gnomAD 0.00799 and 0.00823; gnomAD exomes 0.00801 and 0.01155; TOPMed 0.00895; ESP Exome Variant Server 0.01032; ExAC 0.01199.
gnomAD v4.1: 17,995 of 1,611,024 alleles (1.1%); highest among the groups gnomAD compares: Non-Finnish European, 1.4%; 130 homozygotes.

Submissions (4):

Labcorp Genetics (formerly Invitae), Labcorp
Classification: Benign. Last evaluated: 2026-02-01. Review status: criteria provided, single submitter. Criteria: Invitae Variant Classification Sherloc (09022015). Collection method: clinical testing. Allele origin: germline.

CeGaT Center for Human Genetics Tuebingen
Classification: Benign. Last evaluated: 2024-02-01. Review status: criteria provided, single submitter. Criteria: CeGaT Center For Human Genetics Tuebingen Variant Classification Criteria Version 2. Collection method: clinical testing. Allele origin: germline. Affected: yes. Observed: 3 variant alleles.
Comment: MYH7B: BS1, BS2

Breakthrough Genomics
Classification: Benign. Review status: criteria provided, single submitter. Criteria: ACMG Guidelines, 2015. Collection method: not provided. Allele origin: germline. Inheritance: Unknown mechanism. Affected: yes.

PreventionGenetics, part of Exact Sciences
Classification: Benign for MYH7B-related condition. Last evaluated: 2019-10-01. Review status: no assertion criteria provided. Collection method: clinical testing. Allele origin: germline. Not counted in ClinVar's aggregate classification.
Comment: This variant is classified as benign based on ACMG/AMP sequence variant interpretation guidelines (Richards et al. 2015 PMID: 25741868, with internal and published modifications).

NM_020884.7(MYH7B):c.2992C>T (p.Arg998Trp)

Gene: MYH7B (myosin heavy chain 7B; plus strand). Cytogenetic location: 20q11.22.
Variant type: single nucleotide variant.
Coding change: c.2992C>T on transcript NM_020884.7 (MANE Select); coding-DNA position 2992, C replaced by T.
Protein change: p.Arg998Trp; replaces arginine 998 with tryptophan.
Molecular consequence: missense variant.
Genome position (GRCh38, 1-based): chr20:34,996,394, C>T. VCF-style: chr20-34996394-C-T. GRCh37 (hg19) VCF-style: chr20-33584197-C-T.
Other names: c.3118C>T (NM_020884.4); short protein forms R998W.
Identifiers: ClinVar variation 1599978 (VCV001599978.34), dbSNP rs61745051, ClinGen allele CA9827567.